The following is an entry in ClinVar:

ClinVar aggregate classification (germline): Uncertain significance (1 of 4 stars; one submission).

Submission:

GeneDx
Classification: Uncertain significance. Last evaluated: 2025-02-14. Review status: criteria provided, single submitter. Criteria: GeneDx Variant Classification Process June 2021. Collection method: clinical testing. Allele origin: germline. Affected: yes.
Comment: Not observed at significant frequency in large population cohorts (gnomAD); In silico analysis indicates that this missense variant does not alter protein structure/function; Has not been previously published as pathogenic or benign to our knowledge; Does not affect a cysteine or calcium-binding residue within an EGF-like domain or a TGF-binding protein domain of the FBN1 gene; cysteine substitutions in the EGF-like domains represent the majority of pathogenic missense changes associated with FBN1-related disorders (PMID: 12938084); This variant is associated with the following publications: (PMID: 12938084)

NM_000138.5(FBN1):c.2870C>G (p.Thr957Ser)

Gene: FBN1 (fibrillin 1; minus strand). Cytogenetic location: 15q21.1.
Variant type: single nucleotide variant.
Coding change: c.2870C>G on transcript NM_000138.5 (MANE Select); coding-DNA position 2870, C replaced by G.
Protein change: p.Thr957Ser; replaces threonine 957 with serine.
Molecular consequence: missense variant.
Genome position (GRCh38, 1-based): chr15:48,490,063, G>C on the plus strand (C>G on the coding strand, the complement: FBN1 is on the minus strand). VCF-style: chr15-48490063-G-C. GRCh37 (hg19) VCF-style: chr15-48782260-G-C.
Other names: c.2870C>G, p.Thr957Ser (NM_001406716.1); short protein forms T957S.
Identifiers: ClinVar variation 4075613 (VCV004075613.1).
Genomic context (GRCh38, chr15:48,490,063, plus strand): 5'-ATGCGGTGGCGGCCAGCAATAGGCAGGGTGCACTCCTCGTCCTCGTACCTCAGGAAGCAG[G>C]TTTCCAGGCGGATATCTGTCAGAGGGAATCAAGGGAGGTTAAATAGAGCCACACGGCTTC-3'
Protein context (NP_000129.3, residues 947-967): GRICLDIRLE[Thr957Ser]CFLRYEDEEC